The following is an entry in ClinVar:

NM_033056.4(PCDH15):c.4410_4413dup (p.Val1472fs)

Gene: PCDH15 (protocadherin related 15; minus strand). Cytogenetic location: 10q21.1.
Variant type: Duplication.
Coding change: c.4410_4413dup on transcript NM_033056.4 (MANE Plus Clinical); coding-DNA positions 4410 to 4413, 4 bases duplicated (CTCA; older notation c.4410_4413dupCTCA).
Protein change: p.Val1472fs; shifts the reading frame from valine 1472.
Molecular consequence: frameshift variant. On other transcripts: intron variant (8).
Genome position (GRCh38, 1-based): chr10:53,823,313-53,823,316, TGAG duplicated on the plus strand (CTCA on the coding strand, the reverse complement: PCDH15 is on the minus strand); duplicating any 4 consecutive bases within chr10:53,823,313-53,823,317 gives the same sequence; the c. name uses the placement nearest the transcript's 3' end. VCF-style (leftmost placement, unchanged base first): chr10-53823312-C-CTGAG. GRCh37 (hg19) VCF-style: chr10-55583072-C-CTGAG.
Other names: c.4431_4434dup, p.Val1479fs (NM_001142763.2); c.4416_4419dup, p.Val1474fs (NM_001142764.2); c.4203_4206dup, p.Val1403fs (NM_001142765.2); c.4401_4404dup, p.Val1469fs (NM_001142766.2); c.4290_4293dup, p.Val1432fs (NM_001142767.2); c.4350_4353dup, p.Val1452fs (NM_001142768.2); c.4341_4344dup, p.Val1449fs (NM_001142773.2); c.4344_4347dup, p.Val1450fs (NM_001354404.2); and 6 more; short protein forms V1452fs, V1469fs, V1449fs, V1450fs, V1472fs, V1474fs, V1403fs, V1432fs.
Identifiers: ClinVar variation 2998161 (VCV002998161.3), dbSNP rs2076434133, ClinGen allele CA1910742123.

ClinVar aggregate classification (germline): Pathogenic (1 of 4 stars; one submission).

Submission:

Labcorp Genetics (formerly Invitae), Labcorp
Classification: Pathogenic. Last evaluated: 2023-11-07. Review status: criteria provided, single submitter. Criteria: Invitae Variant Classification Sherloc (09022015). Collection method: clinical testing. Allele origin: germline.
Comment: This sequence change creates a premature translational stop signal (p.Val1472Leufs*21) in the PCDH15 gene. While this is not anticipated to result in nonsense mediated decay, it is expected to disrupt the last 484 amino acid(s) of the PCDH15 protein. This variant is not present in population databases (gnomAD no frequency). This variant has not been reported in the literature in individuals affected with PCDH15-related conditions. Experimental studies and prediction algorithms are not available or were not evaluated, and the functional significance of this variant is currently unknown. This variant disrupts a region of the PCDH15 protein in which other variant(s) (p.Gln1576*) have been determined to be pathogenic (PMID: 28281779). This suggests that this is a clinically significant region of the protein, and that variants that disrupt it are likely to be disease-causing. For these reasons, this variant has been classified as Pathogenic.

Literature cited by the submitters: PubMed 28281779.